The following is an entry in ClinVar:

NM_170754.4(TNS2):c.1292-3C>T

Gene: TNS2 (tensin 2; plus strand). Cytogenetic location: 12q13.13.
Variant type: single nucleotide variant.
Coding change: c.1292-3C>T on transcript NM_170754.4 (MANE Select); 3 bases into the intron before coding-DNA position 1292, C replaced by T.
Molecular consequence: intron variant.
Genome position (GRCh38, 1-based): chr12:53,058,711, C>T. VCF-style: chr12-53058711-C-T. GRCh37 (hg19) VCF-style: chr12-53452495-C-T.
Other names: c.920-3C>T (NM_198316.2); c.1292-3C>T (NM_001416202.1, NM_001416204.1); c.1223-3C>T (NM_001416203.1, NM_015319.3).
Identifiers: ClinVar variation 2037599 (VCV002037599.4), dbSNP rs746930969, ClinGen allele CA6592284.

ClinVar aggregate classification (germline): Uncertain significance (1 of 4 stars; one submission).

Allele frequency attached by ClinVar (database versions not stated): gnomAD 0.00001; gnomAD exomes 0.00001; ExAC 0.00002; 1000 Genomes Project 30x 0.00031.
gnomAD v4.1: 8 of 1,614,024 alleles (0.0005%); highest among the groups gnomAD compares: East Asian, 0.011%; no homozygotes.

Submission:

Labcorp Genetics (formerly Invitae), Labcorp
Classification: Uncertain significance. Last evaluated: 2025-01-20. Review status: criteria provided, single submitter. Criteria: Invitae Variant Classification Sherloc (09022015). Collection method: clinical testing. Allele origin: germline.
Comment: This sequence change falls in intron 16 of the TNS2 gene. It does not directly change the encoded amino acid sequence of the TNS2 protein. It affects a nucleotide within the consensus splice site. This variant is present in population databases (rs746930969, gnomAD 0.02%). This variant has not been reported in the literature in individuals affected with TNS2-related conditions. ClinVar contains an entry for this variant (Variation ID: 2037599). Variants that disrupt the consensus splice site are a relatively common cause of aberrant splicing (PMID: 17576681, 9536098). Algorithms developed to predict the effect of sequence changes on RNA splicing suggest that this variant is not likely to affect RNA splicing. In summary, the available evidence is currently insufficient to determine the role of this variant in disease. Therefore, it has been classified as a Variant of Uncertain Significance.

Literature cited by the submitters: PubMed 17576681; PubMed 9536098.